The following is an entry in ClinVar:

NM_005045.4(RELN):c.33C>A (p.Phe11Leu)

Gene: RELN (reelin; minus strand). Cytogenetic location: 7q22.1.
Variant type: single nucleotide variant.
Coding change: c.33C>A on transcript NM_005045.4 (MANE Select); coding-DNA position 33, C replaced by A.
Protein change: p.Phe11Leu; replaces phenylalanine 11 with leucine.
Molecular consequence: missense variant.
Genome position (GRCh38, 1-based): chr7:103,989,324, G>T on the plus strand (C>A on the coding strand, the complement: RELN is on the minus strand). VCF-style: chr7-103989324-G-T. GRCh37 (hg19) VCF-style: chr7-103629771-G-T.
Other names: c.33C>A, p.Phe11Leu (NM_173054.3); short protein forms F11L.
Identifiers: ClinVar variation 3749797 (VCV003749797.2).

ClinVar aggregate classification (germline): Uncertain significance (1 of 4 stars; one submission).

Conditions:
Familial temporal lobe epilepsy 7. Identifiers: Orphanet 101046, MedGen C4225327, MONDO:0014639, OMIM 616436.
Norman-Roberts syndrome (LIS2). Also called: Lissencephaly 2 (Norman-Roberts type). Identifiers: Orphanet 89844, MedGen C0796089, MONDO:0009760, OMIM 257320.

gnomAD v4.1: 2 of 1,585,716 alleles (0.00013%); highest among the groups gnomAD compares: South Asian, 0.0022%; no homozygotes.

Submission:

Labcorp Genetics (formerly Invitae), Labcorp
Classification: Uncertain significance for Familial temporal lobe epilepsy 7; Norman-Roberts syndrome. Last evaluated: 2024-06-10. Review status: criteria provided, single submitter. Criteria: Invitae Variant Classification Sherloc (09022015). Collection method: clinical testing. Allele origin: germline.
Comment: This sequence change replaces phenylalanine, which is neutral and non-polar, with leucine, which is neutral and non-polar, at codon 11 of the RELN protein (p.Phe11Leu). This variant is not present in population databases (gnomAD no frequency). This variant has not been reported in the literature in individuals affected with RELN-related conditions. Algorithms developed to predict the effect of missense changes on protein structure and function output the following: SIFT: "Not Available"; PolyPhen-2: "Benign"; Align-GVGD: "Not Available". The leucine amino acid residue is found in multiple mammalian species, which suggests that this missense change does not adversely affect protein function. In summary, the available evidence is currently insufficient to determine the role of this variant in disease. Therefore, it has been classified as a Variant of Uncertain Significance.